The following is an entry in ClinVar:

NM_003361.4(UMOD):c.1459G>A (p.Val487Met)

Gene: UMOD (uromodulin; minus strand). Cytogenetic location: 16p12.3.
Variant type: single nucleotide variant.
Coding change: c.1459G>A on transcript NM_003361.4 (MANE Select); coding-DNA position 1459, G replaced by A.
Protein change: p.Val487Met; replaces valine 487 with methionine.
Molecular consequence: missense variant. On other transcripts: non-coding transcript variant (1).
Genome position (GRCh38, 1-based): chr16:20,341,209, C>T on the plus strand (G>A on the coding strand, the complement: UMOD is on the minus strand). VCF-style: chr16-20341209-C-T. GRCh37 (hg19) VCF-style: chr16-20352531-C-T.
Other names: c.1459G>A (NM_003361.3); c.1459G>A, p.Val487Met (NM_001008389.3, NM_001378232.1, NM_001378233.1); c.1558G>A, p.Val520Met (NM_001278614.2); c.1600G>A, p.Val534Met (NM_001378234.1, NM_001378235.1); short protein forms V520M, V534M, V487M.
Identifiers: ClinVar variation 1505796 (VCV001505796.14), dbSNP rs375158769, ClinGen allele CA7939135.
Genomic context (GRCh38, chr16:20,341,209, plus strand): 5'-AGCAGTTGGTCATGAGCAGTGCAAATCGGGACAGGTCGCCCCCATCCAACATGGTGCCCA[C>T]GTAGAGAAAAGCCTCAGTGGACAGTGTCACGGAGGAGCCTTGGTAGGGCTGCGTGTAGGA-3'
Protein context (NP_003352.2, residues 477-497): VTLSTEAFLY[Val487Met]GTMLDGGDLS

ClinVar aggregate classification (germline): Uncertain significance. Review status: criteria provided, multiple submitters, no conflicts (2 of 4 stars). 4 submissions from 4 submitters: Uncertain significance (4). Last evaluated 2026-01-19.

Conditions:
Familial juvenile hyperuricemic nephropathy type 1 (ADTKD1). Also called: Autosomal Dominant Tubulointerstitial Kidney Disease – UMOD; Glomerulocystic kidney disease with hyperuricemia and isosthenuria; Medullary cystic kidney disease 2; UMOD-Associated Kidney Disease; Uromodulin-associated kidney disease. Identifiers: Orphanet 209886, Orphanet 34149, Orphanet 88950, MedGen C4551496, MONDO:0008073, OMIM 162000.

Allele frequency attached by ClinVar (database versions not stated): ExAC 0.00001; gnomAD exomes 0.00001 and 0.00003; gnomAD 0.00002; TOPMed 0.00005; ESP Exome Variant Server 0.00008.
gnomAD v4.1: 19 of 1,613,886 alleles (0.0012%); highest among the groups gnomAD compares: Admixed American, 0.023%; no homozygotes.

Submissions (4):

Labcorp Genetics (formerly Invitae), Labcorp
Classification: Uncertain significance. Last evaluated: 2026-01-19. Review status: criteria provided, single submitter. Criteria: Invitae Variant Classification Sherloc (09022015). Collection method: clinical testing. Allele origin: germline.
Comment: This sequence change replaces valine, which is neutral and non-polar, with methionine, which is neutral and non-polar, at codon 487 of the UMOD protein (p.Val487Met). This variant is present in population databases (rs375158769, gnomAD 0.02%). This variant has not been reported in the literature in individuals affected with UMOD-related conditions. ClinVar contains an entry for this variant (Variation ID: 1505796). Invitae Evidence Modeling of protein sequence and biophysical properties (such as structural, functional, and spatial information, amino acid conservation, physicochemical variation, residue mobility, and thermodynamic stability) indicates that this missense variant is not expected to disrupt UMOD protein function with a negative predictive value of 80%. In summary, the available evidence is currently insufficient to determine the role of this variant in disease. Therefore, it has been classified as a Variant of Uncertain Significance.

Fulgent Genetics
Classification: Uncertain significance for Familial juvenile hyperuricemic nephropathy type 1. Last evaluated: 2024-05-16. Review status: criteria provided, single submitter. Criteria: ACMG Guidelines, 2015. Collection method: clinical testing. Allele origin: germline.

Genetic Services Laboratory, University of Chicago
Classification: Uncertain significance. Last evaluated: 2023-01-05. Review status: criteria provided, single submitter. Criteria: ACMG Guidelines, 2015. Collection method: clinical testing. Allele origin: germline. Affected: no.
Comment: DNA sequence analysis of the UMOD gene demonstrated a sequence change, c.1459G>A, in exon 7 that results in an amino acid change, p.Val487Met. This sequence change has been described in the gnomAD database with a frequency of 0.02% in the Latino subpopulation (dbSNP rs375158769). The p.Val487Met change affects a highly conserved amino acid residue located in a domain of the UMOD protein that is known to be functional. In-silico pathogenicity prediction tools (SIFT, PolyPhen2, Align GVGD, REVEL) provide contradictory results for the p.Val487Met substitution. This sequence change does not appear to have been previously described in individuals with UMOD-related disorders. Due to insufficient evidences and the lack of functional studies, the clinical significance of the p.Val487Met change remains unknown at this time.

Revvity Omics, Revvity
Classification: Uncertain significance for Familial juvenile hyperuricemic nephropathy type 1. Last evaluated: 2022-11-27. Review status: criteria provided, single submitter. Criteria: ACMG Guidelines, 2015. Collection method: clinical testing. Allele origin: germline.